The following is an entry in ClinVar:

ClinVar aggregate classification (germline): Benign (1 of 4 stars; one submission).

Allele frequency attached by ClinVar (database versions not stated): 1000 Genomes Project 0.67472; 1000 Genomes Project 30x 0.68395; TOPMed 0.72050; gnomAD 0.72100 and 0.72829.
gnomAD v4.1: 109,753 of 152,152 alleles (72%); highest among the groups gnomAD compares: African/African-American, 81%; 39,980 homozygotes.

Submission:

GeneDx
Classification: Benign. Last evaluated: 2018-06-14. Review status: criteria provided, single submitter. Criteria: GeneDx Variant Classification (06012015). Collection method: clinical testing. Allele origin: germline. Affected: yes.
Comment: This variant is considered likely benign or benign based on one or more of the following criteria: it is a conservative change, it occurs at a poorly conserved position in the protein, it is predicted to be benign by multiple in silico algorithms, and/or has population frequency not consistent with disease.

NM_006059.4(LAMC3):c.2347+165C>T

Gene: LAMC3 (laminin subunit gamma 3; plus strand). Cytogenetic location: 9q34.12.
Variant type: single nucleotide variant.
Coding change: c.2347+165C>T on transcript NM_006059.4 (MANE Select); 165 bases into the intron after coding-DNA position 2347, C replaced by T.
Molecular consequence: intron variant.
Genome position (GRCh38, 1-based): chr9:131,061,388, C>T. VCF-style: chr9-131061388-C-T. GRCh37 (hg19) VCF-style: chr9-133936775-C-T.
Identifiers: ClinVar variation 682999 (VCV000682999.1), dbSNP rs2315073, ClinGen allele CA13001824.
Genomic context (GRCh38, chr9:131,061,388, plus strand): 5'-AGGTGAGGGAGAGCCCAGCTTACGGGCAGCAGGCATGACCTCTGAGGACACGGAATCCCT[C>T]AGCCCCATAGCCAGAGCCCCAGGCTGCCGCACATTGCCAGCAGAATTTGGGCCATTGAGA-3'